The following is an entry in ClinVar:

ClinVar aggregate classification (germline): Uncertain significance (1 of 4 stars; one submission).

Conditions:
COG5-congenital disorder of glycosylation. Also called: CDG IIi; COG5-CDG; CONGENITAL DISORDER OF GLYCOSYLATION, TYPE IIi. Identifiers: Orphanet 263487, MedGen C3150876, MONDO:0013325, OMIM 613612.

gnomAD v4.1: 2 of 1,602,410 alleles (0.00012%); highest among the groups gnomAD compares: African/African-American, 0.0013%; no homozygotes.

Submission:

Labcorp Genetics (formerly Invitae), Labcorp
Classification: Uncertain significance for COG5-congenital disorder of glycosylation. Last evaluated: 2025-05-05. Review status: criteria provided, single submitter. Criteria: Invitae Variant Classification Sherloc (09022015). Collection method: clinical testing. Allele origin: germline.
Comment: This sequence change replaces valine, which is neutral and non-polar, with isoleucine, which is neutral and non-polar, at codon 348 of the COG5 protein (p.Val348Ile). This variant is present in population databases (rs763686424, gnomAD 0.007%). This variant has not been reported in the literature in individuals affected with COG5-related conditions. An algorithm developed to predict the effect of missense changes on protein structure and function (PolyPhen-2) suggests that this variant is likely to be disruptive. In summary, the available evidence is currently insufficient to determine the role of this variant in disease. Therefore, it has been classified as a Variant of Uncertain Significance.

NM_006348.5(COG5):c.949G>A (p.Val317Ile)

Gene: COG5 (component of oligomeric golgi complex 5; minus strand). Cytogenetic location: 7q22.3.
Variant type: single nucleotide variant.
Coding change: c.949G>A on transcript NM_006348.5 (MANE Select); coding-DNA position 949, G replaced by A.
Protein change: p.Val317Ile; replaces valine 317 with isoleucine.
Molecular consequence: missense variant. On other transcripts: intron variant (1).
Genome position (GRCh38, 1-based): chr7:107,362,110, C>T on the plus strand (G>A on the coding strand, the complement: COG5 is on the minus strand). VCF-style: chr7-107362110-C-T. GRCh37 (hg19) VCF-style: chr7-107002555-C-T.
Other names: c.949G>A, p.Val317Ile (NM_001161520.2, NM_001379511.1, NM_001379512.1 and 3 more transcripts); c.235G>A, p.Val79Ile (NM_001379516.1); c.539-63764G>A (NM_001379515.1); short protein forms V317I, V79I.
Identifiers: ClinVar variation 4719000 (VCV004719000.1).